The following is an entry in ClinVar:

ClinVar aggregate classification (germline): Uncertain significance. Review status: criteria provided, multiple submitters, no conflicts (2 of 4 stars). 2 submissions from 2 submitters: Uncertain significance (2). Last evaluated 2025-06-07.

Conditions:
Inborn genetic diseases. Identifiers: MedGen C0950123, MeSH D030342.
Hereditary spastic paraplegia 28. Also called: Spastic paraplegia 28, autosomal recessive. Identifiers: Orphanet 101008, MedGen C1836295, MONDO:0012256, OMIM 609340.

Allele frequency attached by ClinVar (database versions not stated): gnomAD 0.00005 and 0.00006; TOPMed 0.00005; gnomAD exomes 0.00009 and 0.00007; ExAC 0.00017.
gnomAD v4.1: 142 of 1,591,590 alleles (0.0089%); highest among the groups gnomAD compares: Non-Finnish European, 0.011%; 1 homozygote.

Submissions (2):

Ambry Genetics
Classification: Uncertain significance for Inborn genetic diseases. Last evaluated: 2025-06-07. Review status: criteria provided, single submitter. Criteria: Ambry Variant Classification Scheme 2023. Collection method: clinical testing. Allele origin: germline.

Labcorp Genetics (formerly Invitae), Labcorp
Classification: Uncertain significance for Hereditary spastic paraplegia 28. Last evaluated: 2022-02-04. Review status: criteria provided, single submitter. Criteria: Invitae Variant Classification Sherloc (09022015). Collection method: clinical testing. Allele origin: germline.
Comment: This sequence change replaces proline, which is neutral and non-polar, with leucine, which is neutral and non-polar, at codon 49 of the DDHD1 protein (p.Pro49Leu). This variant is present in population databases (rs747202346, gnomAD 0.01%). This variant has not been reported in the literature in individuals affected with DDHD1-related conditions. ClinVar contains an entry for this variant (Variation ID: 848650). Algorithms developed to predict the effect of missense changes on protein structure and function output the following: SIFT: "Tolerated"; PolyPhen-2: "Possibly Damaging"; Align-GVGD: "Class C0". The leucine amino acid residue is found in multiple mammalian species, which suggests that this missense change does not adversely affect protein function. In summary, the available evidence is currently insufficient to determine the role of this variant in disease. Therefore, it has been classified as a Variant of Uncertain Significance.

NM_001160148.2(DDHD1):c.146C>T (p.Pro49Leu)

Gene: DDHD1 (DDHD domain containing 1; minus strand). Cytogenetic location: 14q22.1.
Variant type: single nucleotide variant.
Coding change: c.146C>T on transcript NM_001160148.2 (MANE Select); coding-DNA position 146, C replaced by T.
Protein change: p.Pro49Leu; replaces proline 49 with leucine.
Molecular consequence: missense variant.
Genome position (GRCh38, 1-based): chr14:53,152,953, G>A on the plus strand (C>T on the coding strand, the complement: DDHD1 is on the minus strand). VCF-style: chr14-53152953-G-A. GRCh37 (hg19) VCF-style: chr14-53619671-G-A.
Other names: c.146C>T, p.Pro49Leu (NM_001160147.2, NM_030637.3); c.146C>T (NM_001160148.1); short protein forms P49L.
Identifiers: ClinVar variation 848650 (VCV000848650.6), dbSNP rs747202346, ClinGen allele CA7191579.